The following is an entry in ClinVar:

NM_001112704.2(VAX1):c.210C>A (p.Asp70Glu)

Gene: VAX1 (ventral anterior homeobox 1; minus strand). Cytogenetic location: 10q25.3.
Variant type: single nucleotide variant.
Coding change: c.210C>A on transcript NM_001112704.2 (MANE Select); coding-DNA position 210, C replaced by A.
Protein change: p.Asp70Glu; replaces aspartic acid 70 with glutamic acid.
Molecular consequence: missense variant.
Genome position (GRCh38, 1-based): chr10:117,137,847, G>T on the plus strand (C>A on the coding strand, the complement: VAX1 is on the minus strand). VCF-style: chr10-117137847-G-T. GRCh37 (hg19) VCF-style: chr10-118897358-G-T.
Other names: c.210C>A, p.Asp70Glu (NM_199131.3); short protein forms D70E.
Identifiers: ClinVar variation 4694922 (VCV004694922.1).

ClinVar aggregate classification (germline): Uncertain significance (1 of 4 stars; one submission).

Conditions:
Microphthalmia, syndromic 11 (MCOPS11). Identifiers: MedGen C3553077, MONDO:0013734, OMIM 614402.

gnomAD v4.1: 7 of 1,613,008 alleles (0.00043%); highest among the groups gnomAD compares: African/African-American, 0.0027%; no homozygotes.

Submission:

Labcorp Genetics (formerly Invitae), Labcorp
Classification: Uncertain significance for Microphthalmia, syndromic 11. Last evaluated: 2026-01-03. Review status: criteria provided, single submitter. Criteria: Invitae Variant Classification Sherloc (09022015). Collection method: clinical testing. Allele origin: germline.
Comment: This sequence change replaces aspartic acid, which is acidic and polar, with glutamic acid, which is acidic and polar, at codon 70 of the VAX1 protein (p.Asp70Glu). This variant is present in population databases (rs773894040, gnomAD 0.01%). This variant has not been reported in the literature in individuals affected with VAX1-related conditions. Invitae Evidence Modeling of protein sequence and biophysical properties (such as structural, functional, and spatial information, amino acid conservation, physicochemical variation, residue mobility, and thermodynamic stability) indicates that this missense variant is not expected to disrupt VAX1 protein function with a negative predictive value of 80%. In summary, the available evidence is currently insufficient to determine the role of this variant in disease. Therefore, it has been classified as a Variant of Uncertain Significance.